The following is an entry in ClinVar:

ClinVar aggregate classification (germline): Likely benign (0 of 4 stars; one submission).

Conditions:
TBX1-related disorder. Also called: TBX1-related condition; TBX1-Related Disorders.

Allele frequency attached by ClinVar (database versions not stated): gnomAD 0.00001; TOPMed 0.00002.
gnomAD v4.1: 5 of 1,518,556 alleles (0.00033%); highest among the groups gnomAD compares: Admixed American, 0.0041%; no homozygotes.

Submission:

PreventionGenetics, part of Exact Sciences
Classification: Likely benign for TBX1-related condition. Last evaluated: 2023-12-27. Review status: no assertion criteria provided. Collection method: clinical testing. Allele origin: germline.
Comment: This variant is classified as likely benign based on ACMG/AMP sequence variant interpretation guidelines (Richards et al. 2015 PMID: 25741868, with internal and published modifications).

NM_001379200.1(TBX1):c.999C>A (p.Pro333=)

Gene: TBX1 (T-box transcription factor 1; plus strand). Cytogenetic location: 22q11.21.
Variant type: single nucleotide variant.
Coding change: c.999C>A on transcript NM_001379200.1 (MANE Select); coding-DNA position 999, C replaced by A.
Protein change: p.Pro333=; no amino-acid change (proline 333 retained).
Molecular consequence: synonymous variant.
Genome position (GRCh38, 1-based): chr22:19,765,965, C>A. VCF-style: chr22-19765965-C-A. GRCh37 (hg19) VCF-style: chr22-19753488-C-A.
Other names: c.972C>A, p.Pro324= (NM_005992.1, NM_080646.2, NM_080647.1).
Identifiers: ClinVar variation 3029482 (VCV003029482.2), dbSNP rs1409655395, ClinGen allele CA513361560.